The following is an entry in ClinVar:

NM_000051.4(ATM):c.4785C>A (p.Asn1595Lys)

Gene: ATM (ATM serine/threonine kinase; plus strand). Cytogenetic location: 11q22.3.
Variant type: single nucleotide variant.
Coding change: c.4785C>A on transcript NM_000051.4 (MANE Select); coding-DNA position 4785, C replaced by A.
Protein change: p.Asn1595Lys; replaces asparagine 1595 with lysine.
Molecular consequence: missense variant.
Genome position (GRCh38, 1-based): chr11:108,294,935, C>A. VCF-style: chr11-108294935-C-A. GRCh37 (hg19) VCF-style: chr11-108165662-C-A.
Other names: c.4785C>A, p.Asn1595Lys (NM_001351834.2); short protein forms N1595K.
Identifiers: ClinVar variation 1052972 (VCV001052972.9), dbSNP rs2135833730, ClinGen allele CA382536180.

ClinVar aggregate classification (germline): Uncertain significance (1 of 4 stars; one submission).

Conditions:
Ataxia-telangiectasia syndrome (AT). Also called: ATAXIA-TELANGIECTASIA, FRESNO VARIANT; Ataxia-telangiectasia, complementation group E; ATAXIA-TELANGIECTASIA, COMPLEMENTATION GROUP A; LOUIS-BAR SYNDROME; Ataxia-telangiectasia, complementation group D; AT, COMPLEMENTATION GROUP C. Identifiers: Orphanet 100, MedGen C0004135, MONDO:0008840, OMIM 208900.

Submission:

Labcorp Genetics (formerly Invitae), Labcorp
Classification: Uncertain significance for Ataxia-telangiectasia syndrome. Last evaluated: 2020-07-03. Review status: criteria provided, single submitter. Criteria: Invitae Variant Classification Sherloc (09022015). Collection method: clinical testing. Allele origin: germline.
Comment: In summary, the available evidence is currently insufficient to determine the role of this variant in disease. Therefore, it has been classified as a Variant of Uncertain Significance. Algorithms developed to predict the effect of missense changes on protein structure and function output the following: SIFT: "Tolerated"; PolyPhen-2: "Benign"; Align-GVGD: "Class C0". The lysine amino acid residue is found in multiple mammalian species, suggesting that this missense change does not adversely affect protein function. These predictions have not been confirmed by published functional studies and their clinical significance is uncertain. This variant has not been reported in the literature in individuals with ATM-related conditions. This variant is not present in population databases (ExAC no frequency). This sequence change replaces asparagine with lysine at codon 1595 of the ATM protein (p.Asn1595Lys). The asparagine residue is moderately conserved and there is a moderate physicochemical difference between asparagine and lysine.